The following is an entry in ClinVar:

ClinVar aggregate classification (germline): Uncertain significance (1 of 4 stars; one submission).

Submission:

Labcorp Genetics (formerly Invitae), Labcorp
Classification: Uncertain significance. Last evaluated: 2022-11-08. Review status: criteria provided, single submitter. Criteria: Invitae Variant Classification Sherloc (09022015). Collection method: clinical testing. Allele origin: germline.
Comment: In summary, the available evidence is currently insufficient to determine the role of this variant in disease. Therefore, it has been classified as a Variant of Uncertain Significance. Variants that disrupt the consensus splice site are a relatively common cause of aberrant splicing (PMID: 17576681, 9536098). Algorithms developed to predict the effect of sequence changes on RNA splicing suggest that this variant may disrupt the consensus splice site. This variant has not been reported in the literature in individuals affected with DVL1-related conditions. This variant is not present in population databases (gnomAD no frequency). This sequence change falls in intron 2 of the DVL1 gene. It does not directly change the encoded amino acid sequence of the DVL1 protein. It affects a nucleotide within the consensus splice site.

Literature cited by the submitters: PubMed 17576681; PubMed 9536098.

NM_001330311.2(DVL1):c.240+5G>A

Gene: DVL1 (dishevelled segment polarity protein 1; minus strand). Cytogenetic location: 1p36.33.
Variant type: single nucleotide variant.
Coding change: c.240+5G>A on transcript NM_001330311.2 (MANE Select); 5 bases into the intron after coding-DNA position 240, G replaced by A.
Molecular consequence: intron variant.
Genome position (GRCh38, 1-based): chr1:1,342,684, C>T on the plus strand (G>A on the coding strand, the complement: DVL1 is on the minus strand). VCF-style: chr1-1342684-C-T. GRCh37 (hg19) VCF-style: chr1-1278064-C-T.
Other names: c.240+5G>A (NM_004421.3).
Identifiers: ClinVar variation 2021982 (VCV002021982.4), dbSNP rs2523210300, ClinGen allele CA2574169589.
Genomic context (GRCh38, chr1:1,342,684, plus strand): 5'-CAGGAAGAGCCCCACCCTGGAATGCTCCCCAGGCGAGCCTTCGGGGCCAAGACACAGGGG[C>T]TCACCCAGGAGACCACGCGGCCGTTGAAGCAGGGAAGCTTGGCATTGTCATCAAAGATCT-3'